The following is an entry in ClinVar:

ClinVar aggregate classification (germline): Uncertain significance. Review status: criteria provided, multiple submitters, no conflicts (2 of 4 stars). 4 submissions from 4 submitters: Uncertain significance (4). Last evaluated 2025-10-06.

Conditions:
ADGRV1-related disorder. Also called: ADGRV1-related condition; ADGRV1-related disorders.
Inborn genetic diseases. Identifiers: MedGen C0950123, MeSH D030342.

Allele frequency attached by ClinVar (database versions not stated): gnomAD 0.00002; TOPMed 0.00002.
gnomAD v4.1: 18 of 1,595,580 alleles (0.0011%); highest among the groups gnomAD compares: Admixed American, 0.0035%; no homozygotes.

Submissions (4):

PreventionGenetics, part of Exact Sciences
Classification: Uncertain significance for ADGRV1-related condition. Last evaluated: 2025-10-06. Review status: criteria provided, single submitter. Criteria: ACMG Guidelines, 2015. Collection method: clinical testing. Allele origin: germline.
Comment: The ADGRV1 c.18553G>A variant is predicted to result in the amino acid substitution p.Gly6185Arg. To our knowledge, this variant has not been reported in the literature. This variant is reported in 0.0034% of alleles in individuals of European (Non-Finnish) descent in gnomAD. At this time, the clinical significance of this variant is uncertain due to the absence of conclusive functional and genetic evidence.

Ambry Genetics
Classification: Uncertain significance for Inborn genetic diseases. Last evaluated: 2023-12-20. Review status: criteria provided, single submitter. Criteria: Ambry Variant Classification Scheme 2023. Collection method: clinical testing. Allele origin: germline.

Blueprint Genetics
Classification: Uncertain significance. Last evaluated: 2023-12-11. Review status: criteria provided, single submitter. Criteria: ACMG Guidelines, 2015. Collection method: clinical testing. Allele origin: germline.

Labcorp Genetics (formerly Invitae), Labcorp
Classification: Uncertain significance. Last evaluated: 2022-07-14. Review status: criteria provided, single submitter. Criteria: Invitae Variant Classification Sherloc (09022015). Collection method: clinical testing. Allele origin: germline.
Comment: This sequence change replaces glycine, which is neutral and non-polar, with arginine, which is basic and polar, at codon 6185 of the ADGRV1 protein (p.Gly6185Arg). The frequency data for this variant in the population databases is considered unreliable, as metrics indicate poor data quality at this position in the gnomAD database. This variant has not been reported in the literature in individuals affected with ADGRV1-related conditions. Algorithms developed to predict the effect of missense changes on protein structure and function are either unavailable or do not agree on the potential impact of this missense change (SIFT: "Deleterious"; PolyPhen-2: "Probably Damaging"; Align-GVGD: "Class C0"). Algorithms developed to predict the effect of sequence changes on RNA splicing suggest that this variant may create or strengthen a splice site. In summary, the available evidence is currently insufficient to determine the role of this variant in disease. Therefore, it has been classified as a Variant of Uncertain Significance.

NM_032119.4(ADGRV1):c.18553G>A (p.Gly6185Arg)

Gene: ADGRV1 (adhesion G protein-coupled receptor V1; plus strand). Cytogenetic location: 5q14.3.
Variant type: single nucleotide variant.
Coding change: c.18553G>A on transcript NM_032119.4 (MANE Select); coding-DNA position 18553, G replaced by A.
Protein change: p.Gly6185Arg; replaces glycine 6185 with arginine.
Molecular consequence: missense variant. On other transcripts: non-coding transcript variant (1).
Genome position (GRCh38, 1-based): chr5:91,150,150, G>A. VCF-style: chr5-91150150-G-A. GRCh37 (hg19) VCF-style: chr5-90445967-G-A.
Other names: c.18553G>A (NM_032119.3); short protein forms G6185R.
Identifiers: ClinVar variation 1926419 (VCV001926419.5), dbSNP rs761072870, ClinGen allele CA3342685.
Genomic context (GRCh38, chr5:91,150,150, plus strand): 5'-GCCAGTTACACTGTGGAAATGAATGGGCATCCTGGACCCAGCACAGCCTTTTTCACGCCC[G>A]GGAGTGGAATGCCTCCTGCTGGAGGGGAAATCAGCAAGTCCACCCAGAATCTCATCGGTG-3'
Protein context (NP_115495.3, residues 6175-6195): PGPSTAFFTP[Gly6185Arg]SGMPPAGGEI